The following is an entry in ClinVar:

NM_003119.4(SPG7):c.578A>G (p.Glu193Gly)

Gene: SPG7 (SPG7 matrix AAA peptidase subunit, paraplegin; plus strand). Cytogenetic location: 16q24.3.
Variant type: single nucleotide variant.
Coding change: c.578A>G on transcript NM_003119.4 (MANE Select); coding-DNA position 578, A replaced by G.
Protein change: p.Glu193Gly; replaces glutamic acid 193 with glycine.
Molecular consequence: missense variant.
Genome position (GRCh38, 1-based): chr16:89,524,207, A>G. VCF-style: chr16-89524207-A-G. GRCh37 (hg19) VCF-style: chr16-89590615-A-G.
Other names: c.578A>G, p.Glu193Gly (NM_001363850.1, NM_199367.3); c.578A>G (NM_003119.2); short protein forms E193G.
Identifiers: ClinVar variation 964044 (VCV000964044.11), dbSNP rs114191002, ClinGen allele CA8243675.

ClinVar aggregate classification (germline): Uncertain significance. Review status: criteria provided, multiple submitters, no conflicts (2 of 4 stars). 3 submissions from 3 submitters: Uncertain significance (3). Last evaluated 2025-05-12.

Conditions:
Inborn genetic diseases. Identifiers: MedGen C0950123, MeSH D030342.
Hereditary spastic paraplegia 7 (SPG7). Also called: SPG7-related neurologic disorder; Spastic paraplegia 7; Hereditary spastic paraplegia Paraplegin type; Autosomal recessive spastic paraplegia type 7; SPASTIC PARAPLEGIA 7, AUTOSOMAL RECESSIVE, WITH OR WITHOUT CEREBELLAR ATAXIA. Identifiers: Orphanet 99013, MedGen C1846564, MONDO:0011803, OMIM 607259.

Allele frequency attached by ClinVar (database versions not stated): gnomAD exomes 0.00001 and 0.00004; TOPMed 0.00001; gnomAD 0.00004; ExAC 0.00005.
gnomAD v4.1: 15 of 1,613,358 alleles (0.00093%); highest among the groups gnomAD compares: East Asian, 0.031%; no homozygotes.

Submissions (3):

Labcorp Genetics (formerly Invitae), Labcorp
Classification: Uncertain significance for Hereditary spastic paraplegia 7. Last evaluated: 2025-05-12. Review status: criteria provided, single submitter. Criteria: Invitae Variant Classification Sherloc (09022015). Collection method: clinical testing. Allele origin: germline.
Comment: This sequence change replaces glutamic acid, which is acidic and polar, with glycine, which is neutral and non-polar, at codon 193 of the SPG7 protein (p.Glu193Gly). This variant is present in population databases (rs114191002, gnomAD 0.08%). This variant has not been reported in the literature in individuals affected with SPG7-related conditions. ClinVar contains an entry for this variant (Variation ID: 964044). Invitae Evidence Modeling of protein sequence and biophysical properties (such as structural, functional, and spatial information, amino acid conservation, physicochemical variation, residue mobility, and thermodynamic stability) indicates that this missense variant is not expected to disrupt SPG7 protein function with a negative predictive value of 80%. In summary, the available evidence is currently insufficient to determine the role of this variant in disease. Therefore, it has been classified as a Variant of Uncertain Significance.

Ambry Genetics
Classification: Uncertain significance for Inborn genetic diseases. Last evaluated: 2024-02-17. Review status: criteria provided, single submitter. Criteria: Ambry Variant Classification Scheme 2023. Collection method: clinical testing. Allele origin: germline.

Department of Traditional Chinese Medicine, Fujian Provincial Hospital
Classification: Uncertain significance for Hereditary spastic paraplegia 7. Review status: criteria provided, single submitter. Criteria: ACMG Guidelines, 2015. Collection method: research. Allele origin: unknown.
Comment: MRI showed suspicious "Ears of the Lynx" sign in the anterior horns of the bilateral ventricles, and cervical and thoracic spinal cord atrophy and thinning were observed. This is believed to be due to Hereditary Spastic Paraplegia Type 7 (HSP7). According to ACMG scoring, this mutation is classified as of uncertain significance (PM2_supporting). Related mutations have been previously reported by Zhang et al. (PMID: 27557734). Therefore, we consider this mutation to be of uncertain significance.

Literature cited by the submitters: PubMed 27557734 (cited by Department of Traditional Chinese Medicine, Fujian Provincial Hospital).